The following is an entry in ClinVar:

NM_173076.3(ABCA12):c.1287+14G>T

Gene: ABCA12 (ATP binding cassette subfamily A member 12; minus strand). Cytogenetic location: 2q35.
Variant type: single nucleotide variant.
Coding change: c.1287+14G>T on transcript NM_173076.3 (MANE Select); 14 bases into the intron after coding-DNA position 1287, G replaced by T.
Molecular consequence: intron variant.
Genome position (GRCh38, 1-based): chr2:215,025,659, C>A on the plus strand (G>T on the coding strand, the complement: ABCA12 is on the minus strand). VCF-style: chr2-215025659-C-A. GRCh37 (hg19) VCF-style: chr2-215890383-C-A.
Other names: c.333+14G>T (NM_015657.4).
Identifiers: ClinVar variation 895277 (VCV000895277.12), dbSNP rs184671755, ClinGen allele CA2092293.

ClinVar aggregate classification (germline): Benign/Likely benign. Review status: criteria provided, multiple submitters, no conflicts (2 of 4 stars). 3 submissions from 3 submitters: Benign (1); Likely benign (2). Last evaluated 2026-01-28.

Conditions:
Congenital ichthyosis of skin. Identifiers: MedGen C0020758.

Allele frequency attached by ClinVar (database versions not stated): gnomAD exomes 0.00081; ExAC 0.00088; 1000 Genomes Project 0.00260; TOPMed 0.00304; gnomAD 0.00316 and 0.00334; ESP Exome Variant Server 0.00354.

Submissions (3):

Labcorp Genetics (formerly Invitae), Labcorp
Classification: Benign. Last evaluated: 2026-01-28. Review status: criteria provided, single submitter. Criteria: Invitae Variant Classification Sherloc (09022015). Collection method: clinical testing. Allele origin: germline.

Illumina Laboratory Services, Illumina
Classification: Likely benign for Congenital ichthyosis of skin. Last evaluated: 2018-01-13. Review status: criteria provided, single submitter. Criteria: ICSL Variant Classification Criteria 13 December 2019. Collection method: clinical testing. Allele origin: germline.
Comment: This variant was observed in the ICSL laboratory as part of a predisposition screen in an ostensibly healthy population. It had not been previously curated by ICSL or reported in the Human Gene Mutation Database (HGMD: prior to June 1st, 2018), and was therefore a candidate for classification through an automated scoring system. Utilizing variant allele frequency, disease prevalence and penetrance estimates, and inheritance mode, an automated score was calculated to assess if this variant is too frequent to cause the disease. Based on the score and internal cut-off values, a variant classified as likely benign is not then subjected to further curation. The score for this variant resulted in a classification of likely benign for this disease.

Breakthrough Genomics
Classification: Likely benign. Review status: criteria provided, single submitter. Criteria: ACMG Guidelines, 2015. Collection method: not provided. Allele origin: germline. Inheritance: Autosomal recessive inheritance. Affected: yes.